The following is an entry in ClinVar:

ClinVar aggregate classification (germline): Likely benign (0 of 4 stars; one submission).

Conditions:
LEPR-related disorder. Also called: LEPR-related condition; LEPR-related disorders.

gnomAD v4.1: 3 of 1,614,094 alleles (0.00019%); highest among the groups gnomAD compares: Non-Finnish European, 0.00025%; no homozygotes.

Submission:

PreventionGenetics, part of Exact Sciences
Classification: Likely benign for LEPR-related condition. Last evaluated: 2021-12-29. Review status: no assertion criteria provided. Collection method: clinical testing. Allele origin: germline.
Comment: This variant is classified as likely benign based on ACMG/AMP sequence variant interpretation guidelines (Richards et al. 2015 PMID: 25741868, with internal and published modifications).

NM_002303.6(LEPR):c.1770T>C (p.Asp590=)

Gene: LEPR (leptin receptor; plus strand). Cytogenetic location: 1p31.3.
Variant type: single nucleotide variant.
Coding change: c.1770T>C on transcript NM_002303.6 (MANE Select); coding-DNA position 1770, T replaced by C.
Protein change: p.Asp590=; no amino-acid change (aspartic acid 590 retained).
Molecular consequence: synonymous variant.
Genome position (GRCh38, 1-based): chr1:65,609,964, T>C. VCF-style: chr1-65609964-T-C. GRCh37 (hg19) VCF-style: chr1-66075647-T-C.
Other names: c.1770T>C, p.Asp590= (NM_001003679.3, NM_001003680.3, NM_001198687.2 and 2 more transcripts).
Identifiers: ClinVar variation 3354648 (VCV003354648.1).